The following is an entry in ClinVar:

ClinVar aggregate classification (germline): Uncertain significance. Review status: criteria provided, multiple submitters, no conflicts (2 of 4 stars). 2 submissions from 2 submitters: Uncertain significance (2). Last evaluated 2026-04-28.

Conditions:
Ataxia-telangiectasia syndrome (AT). Also called: LOUIS-BAR SYNDROME; Cerebello-oculocutaneous telangiectasia; Immunodeficiency with ataxia telangiectasia; Ataxia-telangiectasia, complementation group D; AT, COMPLEMENTATION GROUP C; ATAXIA-TELANGIECTASIA, COMPLEMENTATION GROUP A. Identifiers: Orphanet 100, MedGen C0004135, MONDO:0008840, OMIM 208900.
Hereditary cancer-predisposing syndrome. Also called: Tumor predisposition; Hereditary neoplastic syndrome; Hereditary Cancer Syndrome; Neoplastic Syndromes, Hereditary. Identifiers: Orphanet 140162, MedGen C0027672, MeSH D009386, MONDO:0015356.

Submissions (2):

Ambry Genetics
Classification: Uncertain significance for Hereditary cancer-predisposing syndrome. Last evaluated: 2026-04-28. Review status: criteria provided, single submitter. Criteria: Ambry Variant Classification Scheme 2023. Collection method: clinical testing. Allele origin: germline.
Comment: The p.G2020S variant (also known as c.6058G>A), located in coding exon 40 of the ATM gene, results from a G to A substitution at nucleotide position 6058. The glycine at codon 2020 is replaced by serine, an amino acid with similar properties. This amino acid position is highly conserved in available vertebrate species. In addition, the in silico prediction for this alteration is inconclusive. Based on the available evidence, the clinical significance of this variant remains unclear.

Labcorp Genetics (formerly Invitae), Labcorp
Classification: Uncertain significance for Ataxia-telangiectasia syndrome. Last evaluated: 2025-06-14. Review status: criteria provided, single submitter. Criteria: Invitae Variant Classification Sherloc (09022015). Collection method: clinical testing. Allele origin: germline.
Comment: This sequence change replaces glycine, which is neutral and non-polar, with serine, which is neutral and polar, at codon 2020 of the ATM protein (p.Gly2020Ser). This variant is not present in population databases (gnomAD no frequency). This variant has not been reported in the literature in individuals affected with ATM-related conditions. Invitae Evidence Modeling of protein sequence and biophysical properties (such as structural, functional, and spatial information, amino acid conservation, physicochemical variation, residue mobility, and thermodynamic stability) has been performed for this missense variant. However, the output from this modeling did not meet the statistical confidence thresholds required to predict the impact of this variant on ATM protein function. In summary, the available evidence is currently insufficient to determine the role of this variant in disease. Therefore, it has been classified as a Variant of Uncertain Significance.

NM_000051.4(ATM):c.6058G>A (p.Gly2020Ser)

Genes: ATM (ATM serine/threonine kinase; plus strand), C11orf65 (chromosome 11 open reading frame 65; minus strand). Cytogenetic location: 11q22.3.
Variant type: single nucleotide variant.
Coding change: c.6058G>A on transcript NM_000051.4 (MANE Select); coding-DNA position 6058, G replaced by A.
Protein change: p.Gly2020Ser; replaces glycine 2020 with serine.
Molecular consequence: missense variant. On other transcripts: intron variant (2).
Genome position (GRCh38, 1-based): chr11:108,315,874, G>A. VCF-style: chr11-108315874-G-A. GRCh37 (hg19) VCF-style: chr11-108186601-G-A.
Other names: c.6058G>A, p.Gly2020Ser (NM_001351834.2); c.641-6803C>T (NM_001330368.2); c.*39-6803C>T (NM_001351110.2); short protein forms G2020S.
Identifiers: ClinVar variation 4747238 (VCV004747238.2).